The following is an entry in ClinVar:

NM_005245.4(FAT1):c.6414A>G (p.Lys2138=)

Gene: FAT1 (FAT atypical cadherin 1; minus strand). Cytogenetic location: 4q35.2.
Variant type: single nucleotide variant.
Coding change: c.6414A>G on transcript NM_005245.4 (MANE Select); coding-DNA position 6414, A replaced by G.
Protein change: p.Lys2138=; no amino-acid change (lysine 2138 retained).
Molecular consequence: synonymous variant.
Genome position (GRCh38, 1-based): chr4:186,620,172, T>C on the plus strand (A>G on the coding strand, the complement: FAT1 is on the minus strand). VCF-style: chr4-186620172-T-C. GRCh37 (hg19) VCF-style: chr4-187541326-T-C.
Other names: c.6414A>G (NM_005245.3).
Identifiers: ClinVar variation 2048478 (VCV002048478.7), dbSNP rs35731902, ClinGen allele CA3166256.

ClinVar aggregate classification (germline): Benign/Likely benign. Review status: criteria provided, multiple submitters, no conflicts (2 of 4 stars). 3 submissions from 3 submitters: Benign (1); Likely benign (1). 1 of the submissions does not count toward it. Last evaluated 2025-07-08.

Conditions:
FAT1-related disorder. Also called: FAT1-related condition.

Allele frequency attached by ClinVar (database versions not stated): gnomAD exomes 0.00007; ExAC 0.00019; 1000 Genomes Project 0.00040; ESP Exome Variant Server 0.00050; gnomAD 0.00066; TOPMed 0.00069; 1000 Genomes Project 30x 0.00078.
gnomAD v4.1: 215 of 1,614,040 alleles (0.013%); highest among the groups gnomAD compares: African/African-American, 0.21%; no homozygotes.

Submissions (3):

Labcorp Genetics (formerly Invitae), Labcorp
Classification: Benign. Last evaluated: 2025-07-08. Review status: criteria provided, single submitter. Criteria: Invitae Variant Classification Sherloc (09022015). Collection method: clinical testing. Allele origin: germline.

Blueprint Genetics
Classification: Likely benign. Last evaluated: 2024-11-13. Review status: criteria provided, single submitter. Criteria: ACMG Guidelines, 2015. Collection method: clinical testing. Allele origin: germline.

PreventionGenetics, part of Exact Sciences
Classification: Likely benign for FAT1-related condition. Last evaluated: 2019-03-22. Review status: no assertion criteria provided. Collection method: clinical testing. Allele origin: germline. Not counted in ClinVar's aggregate classification.
Comment: This variant is classified as likely benign based on ACMG/AMP sequence variant interpretation guidelines (Richards et al. 2015 PMID: 25741868, with internal and published modifications).